The following is an entry in ClinVar:

NM_000245.4(MET):c.2584-10_2584-9dup

Gene: MET (MET proto-oncogene, receptor tyrosine kinase; plus strand). Cytogenetic location: 7q31.2.
Variant type: Duplication.
Coding change: c.2584-10_2584-9dup on transcript NM_000245.4 (MANE Select); 10 bases into the intron before coding-DNA position 2584 through 9 bases into the intron before coding-DNA position 2584, 2 bases duplicated (TT; older notation c.2584-10_2584-9dupTT).
Molecular consequence: intron variant.
Genome position (GRCh38, 1-based): chr7:116,769,635-116,769,636, TT duplicated; duplicating any 2 consecutive bases within chr7:116,769,622-116,769,636 gives the same sequence; the c. name uses the placement nearest the transcript's 3' end. VCF-style (leftmost placement, unchanged base first): chr7-116769621-C-CTT. GRCh37 (hg19) VCF-style: chr7-116409675-C-CTT.
Other names: c.2638-10_2638-9dup (NM_001127500.3); c.1294-10_1294-9dup (NM_001324402.2); c.2584-10_2584-9dup (NM_001324401.3).
Identifiers: ClinVar variation 3051760 (VCV003051760.2), dbSNP rs57349036, ClinGen allele CA4448529.

ClinVar aggregate classification (germline): Likely benign (0 of 4 stars; one submission).

Conditions:
MET-related disorder. Also called: MET-related condition.

Submission:

PreventionGenetics, part of Exact Sciences
Classification: Likely benign for MET-related condition. Last evaluated: 2020-01-28. Review status: no assertion criteria provided. Collection method: clinical testing. Allele origin: germline.
Comment: This variant is classified as likely benign based on ACMG/AMP sequence variant interpretation guidelines (Richards et al. 2015 PMID: 25741868, with internal and published modifications).